The following is an entry in ClinVar:

NM_133259.4(LRPPRC):c.3774_3775insTCGTATGCCGT (p.Leu1259fs)

Gene: LRPPRC (leucine rich pentatricopeptide repeat containing; minus strand). Cytogenetic location: 2p21.
Variant type: Insertion.
Coding change: c.3774_3775insTCGTATGCCGT on transcript NM_133259.4 (MANE Select); coding-DNA positions 3774 to 3775, TCGTATGCCGT inserted.
Protein change: p.Leu1259fs; shifts the reading frame from leucine 1259.
Molecular consequence: frameshift variant.
Genome position: GRCh38 VCF-style: chr2-43899269-G-GACGGCATACGA. GRCh37 (hg19) VCF-style: chr2-44126408-G-GACGGCATACGA.
Other names: short protein forms L1259fs.
Identifiers: ClinVar variation 1726065 (VCV001726065.2), dbSNP rs2466376726, ClinGen allele CA2580066486.

ClinVar aggregate classification (germline): Likely pathogenic (1 of 4 stars; one submission).

Conditions:
Congenital lactic acidosis, Saguenay-Lac-Saint-Jean type (MC4DN5). Also called: CYTOCHROME c OXIDASE DEFICIENCY, FRENCH CANADIAN TYPE; COX DEFICIENCY, FRENCH CANADIAN TYPE; MITOCHONDRIAL COMPLEX IV DEFICIENCY, NUCLEAR TYPE 5. Identifiers: Orphanet 70472, MedGen C1857355, MONDO:0009069, OMIM 220111.

Submission:

Myriad Genetics, Inc.
Classification: Likely pathogenic for Congenital lactic acidosis, Saguenay-Lac-Saint-Jean type. Last evaluated: 2022-05-15. Review status: criteria provided, single submitter. Criteria: Myriad Women's Health Autosomal Recessive and X-Linked Classification Criteria (2021). Collection method: clinical testing. Allele origin: unknown.
Comment: NM_133259.3(LRPPRC):c.3774_3775ins11(L1259Sfs*50) is expected to be pathogenic in the context of Leigh syndrome, French-Canadian type. This variant is predicted to lead to an abnormal or absent protein product due to the creation of a premature termination codon in LRPPRC, a gene where loss-of-function variants are known to be pathogenic. Please note: this variant was assessed in the context of healthy population screening.